The following is an entry in ClinVar:

NM_001384140.1(PCDH15):c.2722G>A (p.Gly908Ser)

Gene: PCDH15 (protocadherin related 15; minus strand). Cytogenetic location: 10q21.1.
Variant type: single nucleotide variant.
Coding change: c.2722G>A on transcript NM_001384140.1 (MANE Select); coding-DNA position 2722, G replaced by A.
Protein change: p.Gly908Ser; replaces glycine 908 with serine.
Molecular consequence: missense variant.
Genome position (GRCh38, 1-based): chr10:54,020,221, C>T on the plus strand (G>A on the coding strand, the complement: PCDH15 is on the minus strand). VCF-style: chr10-54020221-C-T. GRCh37 (hg19) VCF-style: chr10-55779981-C-T.
Other names: c.2737G>A, p.Gly913Ser (NM_001142763.2, NM_001142771.2); c.2722G>A, p.Gly908Ser (NM_001142764.2, NM_001142766.2, NM_001142770.3 and 5 more transcripts); c.2509G>A, p.Gly837Ser (NM_001142765.2); c.2611G>A, p.Gly871Ser (NM_001142767.2); c.2656G>A, p.Gly886Ser (NM_001142768.2, NM_001142773.2, NM_001354404.2); c.2758G>A, p.Gly920Ser (NM_001142769.4); c.2743G>A, p.Gly915Ser (NM_001354411.2); short protein forms G837S, G871S, G886S, G908S, G913S, G915S, G920S.
Identifiers: ClinVar variation 3360273 (VCV003360273.1).
Genomic context (GRCh38, chr10:54,020,221, plus strand): 5'-CAGGCAACCAGAAGTCATCTCTAGCCCTTACCTTTACAATCACTGTGACAGTAGCAATAC[C>T]AGGTGGCATTGTTCCATAAATATCAAAGGCCTCTACCAGAAAAGTGATACTTGCTTCTTG-3'
Protein context (NP_001371069.1, residues 898-918): AFDIYGTMPP[Gly908Ser]IATVTVIVKD

ClinVar aggregate classification (germline): Uncertain significance (1 of 4 stars; one submission).

Submission:

GeneDx
Classification: Uncertain significance. Last evaluated: 2023-06-27. Review status: criteria provided, single submitter. Criteria: GeneDx Variant Classification Process June 2021. Collection method: clinical testing. Allele origin: germline. Affected: yes.
Comment: Not observed at significant frequency in large population cohorts (gnomAD); In silico analysis supports that this missense variant has a deleterious effect on protein structure/function; Has not been previously published as pathogenic or benign to our knowledge